The following is an entry in ClinVar:

NM_003334.4(UBA1):c.2839-7C>T

Gene: UBA1 (ubiquitin like modifier activating enzyme 1; plus strand). Cytogenetic location: Xp11.3.
Variant type: single nucleotide variant.
Coding change: c.2839-7C>T on transcript NM_003334.4 (MANE Select); 7 bases into the intron before coding-DNA position 2839, C replaced by T.
Molecular consequence: intron variant.
Genome position (GRCh38, 1-based): chrX:47,214,320, C>T. VCF-style: chrX-47214320-C-T. GRCh37 (hg19) VCF-style: chrX-47073719-C-T.
Other names: c.2839-7C>T (NM_153280.3).
Identifiers: ClinVar variation 368347 (VCV000368347.14), dbSNP rs199797125, ClinGen allele CA10396215.
Genomic context (GRCh38, chrX:47,214,320, plus strand): 5'-TGGAGACAGATGGGGGCTGGACCCTCTGGGATGGTCTCCATCTTACACTCCCCTCTTTGT[C>T]TTGCAGTACTATAACCAAGAGTGGACATTGTGGGATCGCTTTGAGGTACAAGGGCTGCAG-3'

ClinVar aggregate classification (germline): Benign/Likely benign. Review status: criteria provided, multiple submitters, no conflicts (2 of 4 stars). 3 submissions from 3 submitters: Benign (2); Likely benign (1). Last evaluated 2023-12-11.

Conditions:
Infantile-onset X-linked spinal muscular atrophy. Also called: Spinal Muscular Atrophy, X-Linked Infantile; AMC, DISTAL, X-LINKED; ARTHROGRYPOSIS, X-LINKED, TYPE I; SPINAL MUSCULAR ATROPHY, X-LINKED LETHAL INFANTILE; Spinal muscular atrophy, X-linked 2. Identifiers: Orphanet 1145, MedGen C1844934, MONDO:0010532, OMIM 301830.

Allele frequency attached by ClinVar (database versions not stated): ExAC 0.00002; gnomAD exomes 0.00003 and 0.00006; TOPMed 0.00003; gnomAD 0.00005.
gnomAD v4.1: 77 of 1,205,658 alleles (0.0064%); highest among the groups gnomAD compares: Non-Finnish European, 0.0082%; no homozygotes.

Submissions (3):

Blueprint Genetics
Classification: Likely benign. Last evaluated: 2023-12-11. Review status: criteria provided, single submitter. Criteria: ACMG Guidelines, 2015. Collection method: clinical testing. Allele origin: germline.

Labcorp Genetics (formerly Invitae), Labcorp
Classification: Benign for Infantile-onset X-linked spinal muscular atrophy. Last evaluated: 2023-11-24. Review status: criteria provided, single submitter. Criteria: Invitae Variant Classification Sherloc (09022015). Collection method: clinical testing. Allele origin: germline.

Illumina Laboratory Services, Illumina
Classification: Benign for Infantile-onset X-linked spinal muscular atrophy. Last evaluated: 2018-01-12. Review status: criteria provided, single submitter. Criteria: ICSL Variant Classification Criteria 13 December 2019. Collection method: clinical testing. Allele origin: germline.
Comment: This variant was observed in the ICSL laboratory as part of a predisposition screen in an ostensibly healthy population. It had not been previously curated by ICSL or reported in the Human Gene Mutation Database (HGMD: prior to June 1st, 2018), and was therefore a candidate for classification through an automated scoring system. Utilizing variant allele frequency, disease prevalence and penetrance estimates, and inheritance mode, an automated score was calculated to assess if this variant is too frequent to cause the disease. Based on the score and internal cut-off values, a variant classified as benign is not then subjected to further curation. The score for this variant resulted in a classification of benign for this disease.